The following is an entry in ClinVar:

ClinVar aggregate classification (germline): Uncertain significance (1 of 4 stars; one submission).

Conditions:
Inborn genetic diseases. Identifiers: MedGen C0950123, MeSH D030342.

Allele frequency attached by ClinVar (database versions not stated): TOPMed below 0.00001; ExAC 0.00001; gnomAD exomes 0.00001.
gnomAD v4.1: 15 of 1,613,488 alleles (0.00093%); highest among the groups gnomAD compares: Non-Finnish European, 0.0012%; no homozygotes.

Submission:

Ambry Genetics
Classification: Uncertain significance for Inborn genetic diseases. Last evaluated: 2021-04-28. Review status: criteria provided, single submitter. Criteria: Ambry Variant Classification Scheme 2023. Collection method: clinical testing. Allele origin: germline.
Comment: The c.923T>C (p.V308A) alteration is located in exon 10 (coding exon 10) of the DLD gene. This alteration results from a T to C substitution at nucleotide position 923, causing the valine (V) at amino acid position 308 to be replaced by an alanine (A). The p.V308A alteration is predicted to be tolerated by in silico analysis. Based on insufficient or conflicting evidence, the clinical significance of this alteration remains unclear.

NM_000108.5(DLD):c.923T>C (p.Val308Ala)

Gene: DLD (dihydrolipoamide dehydrogenase; plus strand). Cytogenetic location: 7q31.1.
Variant type: single nucleotide variant.
Coding change: c.923T>C on transcript NM_000108.5 (MANE Select); coding-DNA position 923, T replaced by C.
Protein change: p.Val308Ala; replaces valine 308 with alanine.
Molecular consequence: missense variant.
Genome position (GRCh38, 1-based): chr7:107,916,841, T>C. VCF-style: chr7-107916841-T-C. GRCh37 (hg19) VCF-style: chr7-107557286-T-C.
Other names: c.626T>C, p.Val209Ala (NM_001289750.1); c.854T>C, p.Val285Ala (NM_001289751.1); c.779T>C, p.Val260Ala (NM_001289752.1); short protein forms V260A, V308A, V209A, V285A.
Identifiers: ClinVar variation 2230100 (VCV002230100.2), dbSNP rs750019316, ClinGen allele CA4434593.